The following is an entry in ClinVar:

NM_173651.4(FSIP2):c.3642A>C (p.Ala1214=)

Genes: FSIP2 (fibrous sheath interacting protein 2; plus strand), FSIP2-AS1 (FSIP2 antisense RNA 1; minus strand). Cytogenetic location: 2q32.1.
Variant type: single nucleotide variant.
Coding change: c.3642A>C on transcript NM_173651.4 (MANE Select); coding-DNA position 3642, A replaced by C.
Protein change: p.Ala1214=; no amino-acid change (alanine 1214 retained).
Molecular consequence: synonymous variant.
Genome position (GRCh38, 1-based): chr2:185,790,778, A>C. VCF-style: chr2-185790778-A-C. GRCh37 (hg19) VCF-style: chr2-186655505-A-C.
Identifiers: ClinVar variation 3039454 (VCV003039454.2), dbSNP rs535287598, ClinGen allele CA2016615.

ClinVar aggregate classification (germline): Likely benign (0 of 4 stars; one submission).

Conditions:
FSIP2-related disorder. Also called: FSIP2-related condition.

Allele frequency attached by ClinVar (database versions not stated): gnomAD exomes 0.00001; ExAC 0.00007; gnomAD 0.00008; TOPMed 0.00010; 1000 Genomes Project 30x 0.00016; 1000 Genomes Project 0.00020.
gnomAD v4.1: 22 of 1,532,380 alleles (0.0014%); highest among the groups gnomAD compares: African/African-American, 0.022%; no homozygotes.

Submission:

PreventionGenetics, part of Exact Sciences
Classification: Likely benign for FSIP2-related condition. Last evaluated: 2019-05-22. Review status: no assertion criteria provided. Collection method: clinical testing. Allele origin: germline.
Comment: This variant is classified as likely benign based on ACMG/AMP sequence variant interpretation guidelines (Richards et al. 2015 PMID: 25741868, with internal and published modifications).